The following is an entry in ClinVar:

NM_000256.3(MYBPC3):c.401_405del (p.Pro134fs)

Gene: MYBPC3 (myosin binding protein C3; minus strand). Cytogenetic location: 11p11.2.
Variant type: Deletion.
Coding change: c.401_405del on transcript NM_000256.3 (MANE Select); coding-DNA positions 401 to 405, 5 bases deleted (CCAAA; older notation c.401_405delCCAAA).
Protein change: p.Pro134fs; shifts the reading frame from proline 134.
Molecular consequence: frameshift variant.
Genome position (GRCh38, 1-based): chr11:47,350,503-47,350,507, TTTGG deleted on the plus strand (CCAAA on the coding strand, the reverse complement: MYBPC3 is on the minus strand). VCF-style (leftmost placement, unchanged base first): chr11-47350502-CTTTGG-C. GRCh37 (hg19) VCF-style: chr11-47372053-CTTTGG-C.
Other names: short protein forms P134fs.
Identifiers: ClinVar variation 2097401 (VCV002097401.4), dbSNP rs2495783370, ClinGen allele CA2580084255.
Genomic context (GRCh38, chr11:47,350,502, plus strand): 5'-GACCTGCCCTGGACACGCCCTACCCACGGATCCTGCCCCTCCCTGCCCAGCCCCTCTCAC[CTTTGG>C]GACTTGGGGCACTTTCTCCCAGCTCAGCGGCTGGGGCCGGGGCTTCTCCAGGGGCTCCAG-3'

ClinVar aggregate classification (germline): Pathogenic (1 of 4 stars; one submission).

Conditions:
Hypertrophic cardiomyopathy. Also called: HYPERTROPHIC MYOCARDIOPATHY. Identifiers: Orphanet 217569, MedGen C0007194, MeSH D002312, MONDO:0005045, HP:0001639.

Submission:

Labcorp Genetics (formerly Invitae), Labcorp
Classification: Pathogenic for Hypertrophic cardiomyopathy. Last evaluated: 2025-12-29. Review status: criteria provided, single submitter. Criteria: Invitae Variant Classification Sherloc (09022015). Collection method: clinical testing. Allele origin: germline.
Comment: This sequence change creates a premature translational stop signal (p.Pro134Argfs*17) in the MYBPC3 gene. It is expected to result in an absent or disrupted protein product. Loss-of-function variants in MYBPC3 are known to be pathogenic (PMID: 19574547). This variant is not present in population databases (gnomAD no frequency). This variant has not been reported in the literature in individuals affected with MYBPC3-related conditions. ClinVar contains an entry for this variant (Variation ID: 2097401). Algorithms developed to predict the effect of sequence changes on RNA splicing suggest that this variant may disrupt the consensus splice site. For these reasons, this variant has been classified as Pathogenic.

Literature cited by the submitters: PubMed 19574547.